The following is an entry in ClinVar:

ClinVar aggregate classification (germline): Uncertain significance (1 of 4 stars; one submission).

Submission:

Ambry Genetics
Classification: Uncertain significance. Last evaluated: 2024-04-25. Review status: criteria provided, single submitter. Criteria: Ambry Variant Classification Scheme 2023. Collection method: clinical testing. Allele origin: germline.
Comment: The p.D596H variant (also known as c.1786G>C), located in coding exon 4 of the TMPO gene, results from a G to C substitution at nucleotide position 1786. The aspartic acid at codon 596 is replaced by histidine, an amino acid with similar properties. This amino acid position is conserved. In addition, the in silico prediction for this alteration is inconclusive. Based on the available evidence, the clinical significance of this variant remains unclear.

NM_001032283.3(TMPO):c.565+2205G>C

Gene: TMPO (thymopoietin; plus strand). Cytogenetic location: 12q23.1.
Variant type: single nucleotide variant.
Coding change: c.565+2205G>C on transcript NM_001032283.3 (MANE Select); 2205 bases into the intron after coding-DNA position 565, G replaced by C.
Molecular consequence: intron variant. On other transcripts: missense variant (1).
Genome position (GRCh38, 1-based): chr12:98,534,043, G>C. VCF-style: chr12-98534043-G-C. GRCh37 (hg19) VCF-style: chr12-98927821-G-C.
Other names: c.1786G>C, p.Asp596His (NM_003276.2); c.565+2205G>C (NM_001307975.2, NM_001032284.3); short protein forms D596H.
Identifiers: ClinVar variation 3327281 (VCV003327281.1).